The following is an entry in ClinVar:

ClinVar aggregate classification (germline): Pathogenic (1 of 4 stars; one submission).

gnomAD v4.1: 1 of 1,613,306 alleles (0.000062%); highest among the groups gnomAD compares: Non-Finnish European, 0.000085%; no homozygotes.

Submission:

GeneDx
Classification: Pathogenic. Last evaluated: 2026-01-29. Review status: criteria provided, single submitter. Criteria: GeneDx Variant Classification Process June 2021. Collection method: clinical testing. Allele origin: germline.
Comment: De novo variant with confirmed parentage in a patient in published literature from a cohort of individuals with developmental disorders; however, detailed clinical information was not provided, and the patient harbored additional de novo variants (PMID: 33057194); Nonsense variant predicted to result in protein truncation or nonsense mediated decay in a gene for which loss of function is a known mechanism of disease; Not observed at significant frequency in large population cohorts (gnomAD); This variant is associated with the following publications: (PMID: 35982159, 39472663, 33057194)

NM_001146156.2(GSK3B):c.982C>T (p.Arg328Ter)

Gene: GSK3B (glycogen synthase kinase 3 beta; minus strand). Cytogenetic location: 3q13.33.
Variant type: single nucleotide variant.
Coding change: c.982C>T on transcript NM_001146156.2 (MANE Select); coding-DNA position 982, C replaced by T.
Protein change: p.Arg328Ter; replaces arginine 328 with a stop codon.
Molecular consequence: nonsense.
Genome position (GRCh38, 1-based): chr3:119,863,533, G>A on the plus strand (C>T on the coding strand, the complement: GSK3B is on the minus strand). VCF-style: chr3-119863533-G-A. GRCh37 (hg19) VCF-style: chr3-119582380-G-A.
Other names: c.982C>T, p.Arg328Ter (NM_001354596.2); c.1021C>T, p.Arg341Ter (NM_002093.4); short protein forms R328*, R341*.
Identifiers: ClinVar variation 3573486 (VCV003573486.2).